The following is an entry in ClinVar:

NM_033395.2(CEP295):c.7284del (p.Ala2429fs)

Gene: CEP295 (centrosomal protein 295; plus strand). Cytogenetic location: 11q21.
Variant type: Deletion.
Coding change: c.7284del on transcript NM_033395.2 (MANE Select); coding-DNA position 7284, one base deleted (A; older notation c.7284delA).
Protein change: p.Ala2429fs; shifts the reading frame from alanine 2429.
Molecular consequence: frameshift variant.
Genome position (GRCh38, 1-based): chr11:93,728,803, A deleted; the last of 2 consecutive A bases (chr11:93,728,802-93,728,803); deleting either gives the same sequence. VCF-style (leftmost placement, unchanged base first): chr11-93728801-GA-G. GRCh37 (hg19) VCF-style: chr11-93461967-GA-G.
Other names: short protein forms A2429fs.
Identifiers: ClinVar variation 4850148 (VCV004850148.1).

ClinVar aggregate classification (germline): Likely pathogenic (1 of 4 stars; one submission).

Conditions:
Seckel syndrome 11. Identifiers: MedGen C5935595, MONDO:0958328, OMIM 620767.

Submission:

Variantyx, Inc.
Classification: Likely pathogenic for Seckel syndrome 11. Last evaluated: 2025-12-04. Review status: criteria provided, single submitter. Criteria: Variantyx Assertion Criteria 2022. Collection method: clinical testing. Allele origin: germline. Inheritance: Autosomal recessive inheritance. Affected: no.
Comment: This is a frameshift variant in the CEP295 gene (OMIM: 617728). Pathogenic variants in this gene have been associated with autosomal recessive Seckel syndrome 11. This variant introduces a premature termination codon in exon 25 out of 30 and is expected to result in loss of function, which is a known disease mechanism for CEP295 in this disorder (PVS1) (PMID:38154379). This variant is absent from control populations (PM2). and it has not been reported in individuals with CEP295-related disorders in the databases available for review. Based on the current evidence, this variant is classified as likely pathogenic for autosomal recessive Seckel syndrome 11.

Literature cited by the submitters: PubMed 38154379.